The following is an entry in ClinVar:

ClinVar aggregate classification (germline): Uncertain significance (1 of 4 stars; one submission).

Submission:

Ambry Genetics
Classification: Uncertain significance. Last evaluated: 2026-01-18. Review status: criteria provided, single submitter. Criteria: Ambry Variant Classification Scheme 2023. Collection method: clinical testing. Allele origin: germline.
Comment: The p.A844S variant (also known as c.2530G>T), located in coding exon 11 of the WNK2 gene, results from a G to T substitution at nucleotide position 2530. The alanine at codon 844 is replaced by serine, an amino acid with similar properties. This amino acid position is conserved. In addition, this alteration is predicted to be tolerated by in silico analysis. Based on the available evidence, the clinical significance of this variant remains unclear.

NM_006648.4(WNK2):c.2530G>T (p.Ala844Ser)

Gene: WNK2 (WNK lysine deficient protein kinase 2; plus strand). Cytogenetic location: 9q22.31.
Variant type: single nucleotide variant.
Coding change: c.2530G>T on transcript NM_006648.4 (MANE Select); coding-DNA position 2530, G replaced by T.
Protein change: p.Ala844Ser; replaces alanine 844 with serine.
Molecular consequence: missense variant.
Genome position (GRCh38, 1-based): chr9:93,259,078, G>T. VCF-style: chr9-93259078-G-T. GRCh37 (hg19) VCF-style: chr9-96021360-G-T.
Other names: c.2530G>T, p.Ala844Ser (NM_001282394.3); short protein forms A844S.
Identifiers: ClinVar variation 4844855 (VCV004844855.1).